The following is an entry in ClinVar:

NM_006767.4(LZTR1):c.1526del (p.Leu509fs)

Gene: LZTR1 (leucine zipper like post translational regulator 1; plus strand). Cytogenetic location: 22q11.21.
Variant type: Deletion.
Coding change: c.1526del on transcript NM_006767.4 (MANE Select); coding-DNA position 1526, one base deleted (T; older notation c.1526delT).
Protein change: p.Leu509fs; shifts the reading frame from leucine 509.
Molecular consequence: frameshift variant.
Genome position (GRCh38, 1-based): chr22:20,994,180, T deleted. VCF-style (leftmost placement, unchanged base first): chr22-20994179-CT-C. GRCh37 (hg19) VCF-style: chr22-21348468-CT-C.
Other names: short protein forms L509fs.
Identifiers: ClinVar variation 2768482 (VCV002768482.3), dbSNP rs2518620928, ClinGen allele CA2697547692.

ClinVar aggregate classification (germline): Pathogenic (1 of 4 stars; one submission).

Submission:

Labcorp Genetics (formerly Invitae), Labcorp
Classification: Pathogenic. Last evaluated: 2023-10-14. Review status: criteria provided, single submitter. Criteria: Invitae Variant Classification Sherloc (09022015). Collection method: clinical testing. Allele origin: germline.
Comment: This sequence change creates a premature translational stop signal (p.Leu509Argfs*47) in the LZTR1 gene. It is expected to result in an absent or disrupted protein product. Loss-of-function variants in LZTR1 are known to be pathogenic (PMID: 24362817, 25335493, 25480913, 25795793, 29469822, 30368668, 30442762, 30442766, 30481304, 30859559). This variant is not present in population databases (gnomAD no frequency). This variant has not been reported in the literature in individuals affected with LZTR1-related conditions. For these reasons, this variant has been classified as Pathogenic.

Literature cited by the submitters: PubMed 24362817; PubMed 25335493; PubMed 25480913; PubMed 25795793; PubMed 29469822; PubMed 30368668; PubMed 30442762; PubMed 30442766; PubMed 30481304; PubMed 30859559.